The following is an entry in ClinVar:

ClinVar aggregate classification (germline): Likely benign. Review status: criteria provided, single submitter (1 of 4 stars). 2 submissions from 2 submitters: Likely benign (1). 1 of the submissions does not count toward it. Last evaluated 2022-09-13.

Conditions:
Autosomal dominant limb-girdle muscular dystrophy type 1F (LGMDD2). Also called: Limb-girdle muscular dystrophy, type 1F; MUSCULAR DYSTROPHY, LIMB-GIRDLE, AUTOSOMAL DOMINANT 2. Identifiers: Orphanet 55595, MedGen C1842062, MONDO:0012034, OMIM 608423.
TNPO3-related disorder. Also called: TNPO3-related condition.

Allele frequency attached by ClinVar (database versions not stated): gnomAD 0.00002; gnomAD exomes 0.00002; TOPMed 0.00002.
gnomAD v4.1: 37 of 1,613,356 alleles (0.0023%); highest among the groups gnomAD compares: Non-Finnish European, 0.003%; no homozygotes.

Submissions (2):

Labcorp Genetics (formerly Invitae), Labcorp
Classification: Likely benign for Autosomal dominant limb-girdle muscular dystrophy type 1F. Last evaluated: 2022-09-13. Review status: criteria provided, single submitter. Criteria: Invitae Variant Classification Sherloc (09022015). Collection method: clinical testing. Allele origin: germline.

PreventionGenetics, part of Exact Sciences
Classification: Likely benign for TNPO3-related condition. Last evaluated: 2019-09-10. Review status: no assertion criteria provided. Collection method: clinical testing. Allele origin: germline. Not counted in ClinVar's aggregate classification.
Comment: This variant is classified as likely benign based on ACMG/AMP sequence variant interpretation guidelines (Richards et al. 2015 PMID: 25741868, with internal and published modifications).

NM_012470.4(TNPO3):c.2082A>G (p.Val694=)

Gene: TNPO3 (transportin 3; minus strand). Cytogenetic location: 7q32.1.
Variant type: single nucleotide variant.
Coding change: c.2082A>G on transcript NM_012470.4 (MANE Select); coding-DNA position 2082, A replaced by G.
Protein change: p.Val694=; no amino-acid change (valine 694 retained).
Molecular consequence: synonymous variant. On other transcripts: non-coding transcript variant (18).
Genome position (GRCh38, 1-based): chr7:128,975,915, T>C on the plus strand (A>G on the coding strand, the complement: TNPO3 is on the minus strand). VCF-style: chr7-128975915-T-C. GRCh37 (hg19) VCF-style: chr7-128615969-T-C.
Other names: c.1890A>G, p.Val630= (NM_001191028.3, NM_001382223.1); c.2184A>G, p.Val728= (NM_001382216.1); c.2163A>G, p.Val721= (NM_001382217.1); c.2082A>G, p.Val694= (NM_001382218.1); c.1974A>G, p.Val658= (NM_001382219.1); c.1941A>G, p.Val647= (NM_001382220.1); c.1938A>G, p.Val646= (NM_001382221.1); c.1935A>G, p.Val645= (NM_001382222.1); and 1 more.
Identifiers: ClinVar variation 2196025 (VCV002196025.6), dbSNP rs888360581, ClinGen allele CA166206333.
Genomic context (GRCh38, chr7:128,975,915, plus strand): 5'-TTCCATGCCATATTCATCCACAAGGATACTGCCAAGGTACAGGAAGCAGGAATGCTGATG[T>C]ACGTGGTACACATTCACCATCTGTTGAGGGAAAAAACAATTAGTTCAATGCTTCGTCCTT-3'
Protein context (NP_036602.1, residues 684-704): LVTQMVNVYH[Val694=]HQHSCFLYLG